The following is an entry in ClinVar:

ClinVar aggregate classification (germline): Pathogenic (1 of 4 stars; one submission).

Conditions:
Duchenne muscular dystrophy (DMD). Also called: MUSCULAR DYSTROPHY, PSEUDOHYPERTROPHIC PROGRESSIVE, DUCHENNE TYPE; Duchenne Muscular Dystrophy (DMD). Identifiers: Orphanet 98896, MedGen C0013264, MONDO:0010679, OMIM 310200.

Submission:

Labcorp Genetics (formerly Invitae), Labcorp
Classification: Pathogenic for Duchenne muscular dystrophy. Last evaluated: 2016-08-24. Review status: criteria provided, single submitter. Criteria: Invitae Variant Classification Sherloc (09022015). Collection method: clinical testing. Allele origin: germline.
Comment: This sequence change creates a premature translational stop signal at codon 734 (p.Trp734*) of the DMD gene. It is expected to result in an absent or disrupted protein product. For these reasons, this variant has been classified as Pathogenic. While this particular variant has not been reported in the literature, truncating variants in DMD are known to be pathogenic (PMID: 16770791).

Literature cited by the submitters: PubMed 16770791.

NM_004006.3(DMD):c.2202G>A (p.Trp734Ter)

Gene: DMD (dystrophin; minus strand). Cytogenetic location: Xp21.1.
Variant type: single nucleotide variant.
Coding change: c.2202G>A on transcript NM_004006.3 (MANE Select); coding-DNA position 2202, G replaced by A.
Protein change: p.Trp734Ter; replaces tryptophan 734 with a stop codon.
Molecular consequence: nonsense.
Genome position (GRCh38, 1-based): chrX:32,518,098, C>T on the plus strand (G>A on the coding strand, the complement: DMD is on the minus strand). VCF-style: chrX-32518098-C-T. GRCh37 (hg19) VCF-style: chrX-32536215-C-T.
Other names: c.2178G>A, p.Trp726Ter (NM_000109.4); c.2190G>A, p.Trp730Ter (NM_004009.3); c.1833G>A, p.Trp611Ter (NM_004010.3); short protein forms W734*, W611*, W726*, W730*.
Identifiers: ClinVar variation 409907 (VCV000409907.10), dbSNP rs1060502636, ClinGen allele CA16616508.